The following is an entry in ClinVar:

NM_000122.2(ERCC3):c.1852C>T (p.Pro618Ser)

Gene: ERCC3 (ERCC excision repair 3, TFIIH core complex helicase subunit; minus strand). Cytogenetic location: 2q14.3.
Variant type: single nucleotide variant.
Coding change: c.1852C>T on transcript NM_000122.2 (MANE Select); coding-DNA position 1852, C replaced by T.
Protein change: p.Pro618Ser; replaces proline 618 with serine.
Molecular consequence: missense variant.
Genome position (GRCh38, 1-based): chr2:127,271,429, G>A on the plus strand (C>T on the coding strand, the complement: ERCC3 is on the minus strand). VCF-style: chr2-127271429-G-A. GRCh37 (hg19) VCF-style: chr2-128029005-G-A.
Other names: c.1660C>T, p.Pro554Ser (NM_001303416.2, NM_001303418.2); short protein forms P554S, P618S.
Identifiers: ClinVar variation 1714094 (VCV001714094.5), dbSNP rs2468028118, ClinGen allele CA348387329.

ClinVar aggregate classification (germline): Uncertain significance (1 of 4 stars; one submission).

Submission:

Labcorp Genetics (formerly Invitae), Labcorp
Classification: Uncertain significance. Last evaluated: 2023-10-13. Review status: criteria provided, single submitter. Criteria: Invitae Variant Classification Sherloc (09022015). Collection method: clinical testing. Allele origin: germline.
Comment: This sequence change replaces proline, which is neutral and non-polar, with serine, which is neutral and polar, at codon 618 of the ERCC3 protein (p.Pro618Ser). This variant is not present in population databases (gnomAD no frequency). This variant has not been reported in the literature in individuals affected with ERCC3-related conditions. ClinVar contains an entry for this variant (Variation ID: 1714094). Advanced modeling of protein sequence and biophysical properties (such as structural, functional, and spatial information, amino acid conservation, physicochemical variation, residue mobility, and thermodynamic stability) performed at Invitae indicates that this missense variant is expected to disrupt ERCC3 protein function. In summary, the available evidence is currently insufficient to determine the role of this variant in disease. Therefore, it has been classified as a Variant of Uncertain Significance.